The following is an entry in ClinVar:

NM_000535.7(PMS2):c.2432C>T (p.Ala811Val)

Gene: PMS2 (PMS1 homolog 2, mismatch repair system component; minus strand). Cytogenetic location: 7p22.1.
Variant type: single nucleotide variant.
Coding change: c.2432C>T on transcript NM_000535.7 (MANE Select); coding-DNA position 2432, C replaced by T.
Protein change: p.Ala811Val; replaces alanine 811 with valine.
Molecular consequence: missense variant. On other transcripts: non-coding transcript variant (1).
Genome position (GRCh38, 1-based): chr7:5,977,601, G>A on the plus strand (C>T on the coding strand, the complement: PMS2 is on the minus strand). VCF-style: chr7-5977601-G-A. GRCh37 (hg19) VCF-style: chr7-6017232-G-A.
Other names: c.2027C>T, p.Ala676Val (NM_001322003.2, NM_001322004.2, NM_001322005.2); c.2276C>T, p.Ala759Val (NM_001322006.2); c.2114C>T, p.Ala705Val (NM_001322007.2, NM_001322008.2); c.2060C>T, p.Ala687Val (NM_001322009.2); c.1871C>T, p.Ala624Val (NM_001322010.2); c.1499C>T, p.Ala500Val (NM_001322011.2, NM_001322012.2); c.1859C>T, p.Ala620Val (NM_001322013.2); c.2465C>T, p.Ala822Val (NM_001322014.2); and 1 more; short protein forms A620V, A676V, A687V, A500V, A705V, A759V, A708V, A822V.
Identifiers: ClinVar variation 863908 (VCV000863908.15), dbSNP rs1387206284, ClinGen allele CA366735569.
Genomic context (GRCh38, chr7:5,977,601, plus strand): 5'-CTGCAAGCTTGAGCAGCTGAGCTGACAGCCAGGCTTTCTTTACTTACCGACTTCCGGCAG[G>A]CTCTGGAGGCAAACATCTGCTTGACTCGGGAAGGCCGGCACATGACCCCAGGGCTGTCGC-3'
Protein context (NP_000526.2, residues 801-821): SRVKQMFASR[Ala811Val]CRKSVMIGTA

ClinVar aggregate classification (germline): Uncertain significance. Review status: criteria provided, multiple submitters, no conflicts (2 of 4 stars). 3 submissions from 3 submitters: Uncertain significance (3). Last evaluated 2025-04-09.

Conditions:
Hereditary nonpolyposis colorectal neoplasms. Identifiers: MedGen C0009405, MeSH D003123.
Hereditary cancer-predisposing syndrome. Also called: Hereditary Cancer Syndrome; Tumor predisposition; Neoplastic Syndromes, Hereditary; Hereditary neoplastic syndrome. Identifiers: Orphanet 140162, MedGen C0027672, MeSH D009386, MONDO:0015356.

Allele frequency attached by ClinVar (database versions not stated): TOPMed below 0.00001.

Submissions (3):

Labcorp Genetics (formerly Invitae), Labcorp
Classification: Uncertain significance for Hereditary nonpolyposis colorectal neoplasms. Last evaluated: 2025-04-09. Review status: criteria provided, single submitter. Criteria: Invitae Variant Classification Sherloc (09022015). Collection method: clinical testing. Allele origin: germline.
Comment: This sequence change replaces alanine, which is neutral and non-polar, with valine, which is neutral and non-polar, at codon 811 of the PMS2 protein (p.Ala811Val). The frequency data for this variant in the population databases (gnomAD) is considered unreliable due to the presence of homologous sequence, such as pseudogenes or paralogs, in the genome. This variant has not been reported in the literature in individuals affected with PMS2-related conditions. ClinVar contains an entry for this variant (Variation ID: 863908). Invitae Evidence Modeling incorporating data from in vitro experimental studies (internal data) indicates that this missense variant is not expected to disrupt PMS2 function with a negative predictive value of 95%. In summary, the available evidence is currently insufficient to determine the role of this variant in disease. Therefore, it has been classified as a Variant of Uncertain Significance.

Center for Genomic Medicine, Rigshospitalet, Copenhagen University Hospital
Classification: Uncertain significance. Last evaluated: 2025-03-04. Review status: criteria provided, single submitter. Criteria: ACMG Guidelines, 2015. Collection method: clinical testing. Allele origin: germline.

Ambry Genetics
Classification: Uncertain significance for Hereditary cancer-predisposing syndrome. Last evaluated: 2024-10-03. Review status: criteria provided, single submitter. Criteria: Ambry Variant Classification Scheme 2023. Collection method: clinical testing. Allele origin: germline.
Comment: The p.A811V variant (also known as c.2432C>T), located in coding exon 14 of the PMS2 gene, results from a C to T substitution at nucleotide position 2432. The alanine at codon 811 is replaced by valine, an amino acid with similar properties. This amino acid position is highly conserved in available vertebrate species. In addition, this alteration is predicted to be deleterious by in silico analysis. Based on the available evidence, the clinical significance of this variant remains unclear.